The following is an entry in ClinVar:

NM_015001.3(SPEN):c.3721C>T (p.Arg1241Ter)

Gene: SPEN (spen family transcriptional repressor; plus strand). Cytogenetic location: 1p36.13.
Variant type: single nucleotide variant.
Coding change: c.3721C>T on transcript NM_015001.3 (MANE Select); coding-DNA position 3721, C replaced by T.
Protein change: p.Arg1241Ter; replaces arginine 1241 with a stop codon.
Molecular consequence: nonsense.
Genome position (GRCh38, 1-based): chr1:15,929,961, C>T. VCF-style: chr1-15929961-C-T. GRCh37 (hg19) VCF-style: chr1-16256456-C-T.
Other names: short protein forms R1241*.
Identifiers: ClinVar variation 2473706 (VCV002473706.3), dbSNP rs770680602, ClinGen allele CA18277984.
Genomic context (GRCh38, chr1:15,929,961, plus strand): 5'-GACTCTCCTCCTAGCAAAAAGAAAAGGATGGATCATGTCGATTTTGATATCTGCACCAAG[C>T]GAGAACGGAATTACAGAAGTTCACGCCAAATCAGCGAAGATTCTGAAAGGACTGGTGGTT-3'

ClinVar aggregate classification (germline): Pathogenic. Review status: criteria provided, multiple submitters, no conflicts (2 of 4 stars). 2 submissions from 2 submitters: Pathogenic (2). Last evaluated 2023-07-14.

Conditions:
Inborn genetic diseases. Identifiers: MedGen C0950123, MeSH D030342.

Submissions (2):

GeneDx
Classification: Pathogenic. Last evaluated: 2023-07-14. Review status: criteria provided, single submitter. Criteria: GeneDx Variant Classification Process June 2021. Collection method: clinical testing. Allele origin: germline. Affected: yes.
Comment: Identified in an individual with a neurodevelopmental disorder; however, familial segregation information and additional clinical information was not provided (Wang et al., 2020); Nonsense variant predicted to result in protein truncation or nonsense mediated decay in a gene for which loss of function is a known mechanism of disease; Not observed at significant frequency in large population cohorts (gnomAD); This variant is associated with the following publications: (PMID: 33004838)

Ambry Genetics
Classification: Pathogenic for Inborn genetic diseases. Last evaluated: 2023-01-12. Review status: criteria provided, single submitter. Criteria: Ambry Variant Classification Scheme 2023. Collection method: clinical testing. Allele origin: germline.
Comment: The c.3721C>T (p.R1241*) alteration, located in exon 11 (coding exon 11) of the SPEN gene, consists of a C to T substitution at nucleotide position 3721. This changes the amino acid from an arginine (R) to a stop codon at amino acid position 1241. This alteration is expected to result in loss of function by premature protein truncation or nonsense-mediated mRNA decay. This variant was not reported in population-based cohorts in the Genome Aggregation Database (gnomAD). This mutation was reported in a child with global developmental delay, autistic behaviors, strabismus, hypotonia, dysmorphic features, sleep disturbance, and occasional aggressive behaviors; a paternally inherited 1;22 balanced translocation was also identified (Wang, 2020). Based on the available evidence, this alteration is classified as pathogenic.

Literature cited by the submitters: PubMed 33004838 (cited by Ambry Genetics).